The following is an entry in ClinVar:

NM_031407.7(HUWE1):c.3296G>A (p.Arg1099Gln)

Gene: HUWE1 (HECT, UBA and WWE domain containing E3 ubiquitin protein ligase 1; minus strand). Cytogenetic location: Xp11.22.
Variant type: single nucleotide variant.
Coding change: c.3296G>A on transcript NM_031407.7 (MANE Select); coding-DNA position 3296, G replaced by A.
Protein change: p.Arg1099Gln; replaces arginine 1099 with glutamine.
Molecular consequence: missense variant.
Genome position (GRCh38, 1-based): chrX:53,595,271, C>T on the plus strand (G>A on the coding strand, the complement: HUWE1 is on the minus strand). VCF-style: chrX-53595271-C-T. GRCh37 (hg19) VCF-style: chrX-53622231-C-T.
Other names: short protein forms R1099Q.
Identifiers: ClinVar variation 2499426 (VCV002499426.1), dbSNP rs2064396915, ClinGen allele CA413179094.

ClinVar aggregate classification (germline): Uncertain significance (1 of 4 stars; one submission).

Allele frequency attached by ClinVar (database versions not stated): gnomAD 0.00001.

Submission:

GeneDx
Classification: Uncertain significance. Last evaluated: 2022-10-17. Review status: criteria provided, single submitter. Criteria: GeneDx Variant Classification Process June 2021. Collection method: clinical testing. Allele origin: germline. Affected: yes.
Comment: Not observed at significant frequency in large population cohorts (gnomAD); In silico analysis supports that this missense variant has a deleterious effect on protein structure/function; Has not been previously published as pathogenic or benign to our knowledge